The following is an entry in ClinVar:

NM_004260.4(RECQL4):c.429A>C (p.Pro143=)

Gene: RECQL4 (RecQ like helicase 4; minus strand). Cytogenetic location: 8q24.3.
Variant type: single nucleotide variant.
Coding change: c.429A>C on transcript NM_004260.4 (MANE Select); coding-DNA position 429, A replaced by C.
Protein change: p.Pro143=; no amino-acid change (proline 143 retained).
Molecular consequence: synonymous variant. On other transcripts: 5 prime UTR variant (13), non-coding transcript variant (3), intron variant (5).
Genome position (GRCh38, 1-based): chr8:144,516,690, T>G on the plus strand (A>C on the coding strand, the complement: RECQL4 is on the minus strand). VCF-style: chr8-144516690-T-G. GRCh37 (hg19) VCF-style: chr8-145742074-T-G.
Other names: c.429A>C, p.Pro143= (NM_001413017.1, NM_001413018.1, NM_001413019.1 and 4 more transcripts); c.-643A>C (NM_001413022.1, NM_001413023.1, NM_001413037.1 and 3 more transcripts); c.300A>C, p.Pro100= (NM_001413025.1); c.-705A>C (NM_001413027.1, NM_001413030.1, NM_001413031.1 and 1 more transcripts); c.-368A>C (NM_001413028.1); c.-547A>C (NM_001413034.1); c.-912A>C (NM_001413043.1); c.355-277A>C (NM_001413029.1); and 3 more.
Identifiers: ClinVar variation 2847358 (VCV002847358.3), dbSNP rs763675505, ClinGen allele CA463568140.

ClinVar aggregate classification (germline): Uncertain significance (1 of 4 stars; one submission).

Conditions:
Baller-Gerold syndrome (BGS). Also called: CRANIOSYNOSTOSIS WITH RADIAL DEFECTS. Identifiers: Orphanet 1225, MedGen C0265308, MONDO:0009039, OMIM 218600.

Submission:

Labcorp Genetics (formerly Invitae), Labcorp
Classification: Uncertain significance for Baller-Gerold syndrome. Last evaluated: 2023-03-19. Review status: criteria provided, single submitter. Criteria: Invitae Variant Classification Sherloc (09022015). Collection method: clinical testing. Allele origin: germline.
Comment: In summary, the available evidence is currently insufficient to determine the role of this variant in disease. Therefore, it has been classified as a Variant of Uncertain Significance. Algorithms developed to predict the effect of sequence changes on RNA splicing suggest that this variant may disrupt the consensus splice site. This variant has not been reported in the literature in individuals affected with RECQL4-related conditions. This variant is not present in population databases (gnomAD no frequency). This sequence change affects codon 143 of the RECQL4 mRNA. It is a 'silent' change, meaning that it does not change the encoded amino acid sequence of the RECQL4 protein.